The following is an entry in ClinVar:

NM_130384.3(ATRIP):c.1693C>T (p.Leu565Phe)

Genes: ATRIP (ATR interacting protein; plus strand), ATRIP-TREX1 (ATRIP-TREX1 readthrough; plus strand). Cytogenetic location: 3p21.31.
Variant type: single nucleotide variant.
Coding change: c.1693C>T on transcript NM_130384.3 (MANE Select); coding-DNA position 1693, C replaced by T.
Protein change: p.Leu565Phe; replaces leucine 565 with phenylalanine.
Molecular consequence: missense variant. On other transcripts: non-coding transcript variant (1).
Genome position (GRCh38, 1-based): chr3:48,460,747, C>T. VCF-style: chr3-48460747-C-T. GRCh37 (hg19) VCF-style: chr3-48502146-C-T.
Other names: c.1312C>T, p.Leu438Phe (NM_001271022.2); c.1414C>T, p.Leu472Phe (NM_001271023.2); c.1693C>T, p.Leu565Phe (NM_032166.4); short protein forms L438F, L472F, L565F.
Identifiers: ClinVar variation 3810811 (VCV003810811.1).

ClinVar aggregate classification (germline): Uncertain significance (1 of 4 stars; one submission).

gnomAD v4.1: 1 of 1,606,288 alleles (0.000062%); highest among the groups gnomAD compares: Non-Finnish European, 0.000085%; no homozygotes.

Submission:

Ambry Genetics
Classification: Uncertain significance. Last evaluated: 2025-02-16. Review status: criteria provided, single submitter. Criteria: Ambry Variant Classification Scheme 2023. Collection method: clinical testing. Allele origin: germline.
Comment: The p.L565F variant (also known as c.1693C>T), located in coding exon 8 of the ATRIP gene, results from a C to T substitution at nucleotide position 1693. The leucine at codon 565 is replaced by phenylalanine, an amino acid with highly similar properties. This amino acid position is conserved. In addition, the in silico prediction for this alteration is inconclusive. Based on the available evidence, the clinical significance of this variant remains unclear.